The following is an entry in ClinVar:

NM_001040142.2(SCN2A):c.3083C>G (p.Ala1028Gly)

Gene: SCN2A (sodium voltage-gated channel alpha subunit 2; plus strand). Cytogenetic location: 2q24.3.
Variant type: single nucleotide variant.
Coding change: c.3083C>G on transcript NM_001040142.2 (MANE Select); coding-DNA position 3083, C replaced by G.
Protein change: p.Ala1028Gly; replaces alanine 1028 with glycine.
Molecular consequence: missense variant.
Genome position (GRCh38, 1-based): chr2:165,354,355, C>G. VCF-style: chr2-165354355-C-G. GRCh37 (hg19) VCF-style: chr2-166210865-C-G.
Other names: c.3083C>G, p.Ala1028Gly (NM_001040143.2, NM_001371246.1, NM_001371247.1 and 1 more transcripts); short protein forms A1028G.
Identifiers: ClinVar variation 1318417 (VCV001318417.6), dbSNP rs553589945, ClinGen allele CA1940054.

ClinVar aggregate classification (germline): Uncertain significance. Review status: criteria provided, multiple submitters, no conflicts (2 of 4 stars). 4 submissions from 4 submitters: Uncertain significance (4). Last evaluated 2025-12-30.

Conditions:
Inborn genetic diseases. Identifiers: MedGen C0950123, MeSH D030342.
Developmental and epileptic encephalopathy, 11 (DEE11). Also called: Early infantile epileptic encephalopathy 11. Identifiers: Orphanet 1934, MedGen C3150987, MONDO:0013388, OMIM 613721.
Seizures, benign familial infantile, 3 (BFIS3). Also called: Familial neonatal seizures; CONVULSIONS, BENIGN FAMILIAL INFANTILE, 3. Identifiers: Orphanet 140927, Orphanet 306, MedGen C1843140, MONDO:0011904, OMIM 607745.

Allele frequency attached by ClinVar (database versions not stated): gnomAD exomes 0.00001; ExAC 0.00002; 1000 Genomes Project 30x 0.00016; 1000 Genomes Project 0.00020.

Submissions (4):

Labcorp Genetics (formerly Invitae), Labcorp
Classification: Uncertain significance for Seizures, benign familial infantile, 3; Developmental and epileptic encephalopathy, 11. Last evaluated: 2025-12-30. Review status: criteria provided, single submitter. Criteria: Invitae Variant Classification Sherloc (09022015). Collection method: clinical testing. Allele origin: germline.
Comment: This sequence change replaces alanine, which is neutral and non-polar, with glycine, which is neutral and non-polar, at codon 1028 of the SCN2A protein (p.Ala1028Gly). This variant is present in population databases (rs553589945, gnomAD 0.006%). This variant has not been reported in the literature in individuals affected with SCN2A-related conditions. ClinVar contains an entry for this variant (Variation ID: 1318417). Invitae Evidence Modeling of protein sequence and biophysical properties (such as structural, functional, and spatial information, amino acid conservation, physicochemical variation, residue mobility, and thermodynamic stability) indicates that this missense variant is not expected to disrupt SCN2A protein function with a negative predictive value of 95%. In summary, the available evidence is currently insufficient to determine the role of this variant in disease. Therefore, it has been classified as a Variant of Uncertain Significance.

Blueprint Genetics
Classification: Uncertain significance. Last evaluated: 2023-10-27. Review status: criteria provided, single submitter. Criteria: ACMG Guidelines, 2015. Collection method: clinical testing. Allele origin: germline.

GeneDx
Classification: Uncertain significance. Last evaluated: 2021-11-01. Review status: criteria provided, single submitter. Criteria: GeneDx Variant Classification Process June 2021. Collection method: clinical testing. Allele origin: germline. Affected: yes.
Comment: Has not been previously published as pathogenic or benign to our knowledge; Missense variants in this gene are often considered pathogenic (Stenson et al., 2014); This substitution is predicted to be in the cytoplasmic loop between the second and third homologous domains; In silico analysis supports that this missense variant does not alter protein structure/function

Ambry Genetics
Classification: Uncertain significance for Inborn genetic diseases. Last evaluated: 2021-07-20. Review status: criteria provided, single submitter. Criteria: Ambry Variant Classification Scheme 2023. Collection method: clinical testing. Allele origin: germline.